The following is an entry in ClinVar:

ClinVar aggregate classification (germline): Likely benign (1 of 4 stars; one submission).

Conditions:
NF1-related disorder. Also called: NF1-related condition. Identifiers: MedGen CN379171.

gnomAD v4.1: 2 of 1,031,106 alleles (0.00019%); highest among the groups gnomAD compares: South Asian, 0.0092%; no homozygotes.

Submission:

PreventionGenetics, part of Exact Sciences
Classification: Likely benign for NF1-related condition. Last evaluated: 2025-05-16. Review status: criteria provided, single submitter. Criteria: ACMG Guidelines, 2015. Collection method: clinical testing. Allele origin: germline.
Comment: This variant is classified as likely benign based on ACMG/AMP sequence variant interpretation guidelines (Richards et al. 2015 PMID: 25741868, with internal and published modifications).

NM_001042492.3(NF1):c.1721+537T>C

Gene: NF1 (neurofibromin 1; plus strand). Cytogenetic location: 17q11.2.
Variant type: single nucleotide variant.
Coding change: c.1721+537T>C on transcript NM_001042492.3 (MANE Select); 537 bases into the intron after coding-DNA position 1721, T replaced by C.
Molecular consequence: intron variant. On other transcripts: 3 prime UTR variant (1).
Genome position (GRCh38, 1-based): chr17:31,222,466, T>C. VCF-style: chr17-31222466-T-C. GRCh37 (hg19) VCF-style: chr17-29549484-T-C.
Other names: c.*476T>C (NM_001128147.3); c.1721+537T>C (NM_000267.4).
Identifiers: ClinVar variation 5000885 (VCV005000885.1).